The following is an entry in ClinVar:

ClinVar aggregate classification (germline): Uncertain significance (1 of 4 stars; one submission).

Allele frequency attached by ClinVar (database versions not stated): ExAC 0.00001; gnomAD exomes 0.00001; TOPMed 0.00001.
gnomAD v4.1: 6 of 1,210,757 alleles (0.0005%); highest among the groups gnomAD compares: Admixed American, 0.013%; no homozygotes.

Submission:

Labcorp Genetics (formerly Invitae), Labcorp
Classification: Uncertain significance. Last evaluated: 2025-12-01. Review status: criteria provided, single submitter. Criteria: Invitae Variant Classification Sherloc (09022015). Collection method: clinical testing. Allele origin: germline.
Comment: This sequence change replaces proline, which is neutral and non-polar, with histidine, which is basic and polar, at codon 88 of the CFP protein (p.Pro88His). This variant is present in population databases (rs779108735, gnomAD 0.02%). This variant has not been reported in the literature in individuals affected with CFP-related conditions. ClinVar contains an entry for this variant (Variation ID: 2074135). Invitae Evidence Modeling of protein sequence and biophysical properties (such as structural, functional, and spatial information, amino acid conservation, physicochemical variation, residue mobility, and thermodynamic stability) indicates that this missense variant is not expected to disrupt CFP protein function with a negative predictive value of 80%. In summary, the available evidence is currently insufficient to determine the role of this variant in disease. Therefore, it has been classified as a Variant of Uncertain Significance.

NM_001145252.3(CFP):c.263C>A (p.Pro88His)

Gene: CFP (complement factor properdin; minus strand). Cytogenetic location: Xp11.23.
Variant type: single nucleotide variant.
Coding change: c.263C>A on transcript NM_001145252.3 (MANE Select); coding-DNA position 263, C replaced by A.
Protein change: p.Pro88His; replaces proline 88 with histidine.
Molecular consequence: missense variant.
Genome position (GRCh38, 1-based): chrX:47,628,242, G>T on the plus strand (C>A on the coding strand, the complement: CFP is on the minus strand). VCF-style: chrX-47628242-G-T. GRCh37 (hg19) VCF-style: chrX-47487641-G-T.
Other names: c.263C>A, p.Pro88His (NM_002621.2); short protein forms P88H.
Identifiers: ClinVar variation 2074135 (VCV002074135.4), dbSNP rs779108735, ClinGen allele CA10398979.
Genomic context (GRCh38, chrX:47,628,242, plus strand): 5'-TTCCAGCCCACACAGCGCCGGTACCGCAGCTGGGAGCCCTCAGAGCACGTCACCGAACAG[G>T]GGGCCCATGTGGACCACAGGGACCATCGTGGGGACCTGTGGAGAAGAGCACACACATCCC-3'
Protein context (NP_001138724.1, residues 78-98): PRWSLWSTWA[Pro88His]CSVTCSEGSQ